The following is an entry in ClinVar:

ClinVar aggregate classification (germline): Uncertain significance (1 of 4 stars; one submission).

gnomAD v4.1: 7 of 1,598,508 alleles (0.00044%); highest among the groups gnomAD compares: Non-Finnish European, 0.0006%; no homozygotes.

Submission:

Ambry Genetics
Classification: Uncertain significance. Last evaluated: 2025-12-09. Review status: criteria provided, single submitter. Criteria: Ambry Variant Classification Scheme 2023. Collection method: clinical testing. Allele origin: germline.
Comment: The p.M353T variant (also known as c.1058T>C), located in coding exon 2 of the CDK12 gene, results from a T to C substitution at nucleotide position 1058. The methionine at codon 353 is replaced by threonine, an amino acid with similar properties. This amino acid position is conserved. In addition, this alteration is predicted to be tolerated by in silico analysis. Based on the available evidence, the clinical significance of this variant remains unclear.

NM_016507.4(CDK12):c.1058T>C (p.Met353Thr)

Gene: CDK12 (cyclin dependent kinase 12; plus strand). Cytogenetic location: 17q12.
Variant type: single nucleotide variant.
Coding change: c.1058T>C on transcript NM_016507.4 (MANE Select); coding-DNA position 1058, T replaced by C.
Protein change: p.Met353Thr; replaces methionine 353 with threonine.
Molecular consequence: missense variant.
Genome position (GRCh38, 1-based): chr17:39,470,890, T>C. VCF-style: chr17-39470890-T-C. GRCh37 (hg19) VCF-style: chr17-37627143-T-C.
Other names: c.1058T>C, p.Met353Thr (NM_015083.4); short protein forms M353T.
Identifiers: ClinVar variation 4651487 (VCV004651487.1).
Genomic context (GRCh38, chr17:39,470,890, plus strand): 5'-ATATACTACTGTAGTCCATTCATTTAAAACTGGCTTTTTATTTTTCCAGTAGGAAATCCA[T>C]GAAGTCCAGAAGTAGAAGTCCTGCATATTCAAGACATTCATCTTCTCATAGTAAAAAGAA-3'
Protein context (NP_057591.2, residues 343-363): SRSPLPSRKS[Met353Thr]KSRSRSPAYS